The following is an entry in ClinVar:

NM_004793.4(LONP1):c.757A>G (p.Arg253Gly)

Gene: LONP1 (lon peptidase 1, mitochondrial; minus strand). Cytogenetic location: 19p13.3.
Variant type: single nucleotide variant.
Coding change: c.757A>G on transcript NM_004793.4 (MANE Select); coding-DNA position 757, A replaced by G.
Protein change: p.Arg253Gly; replaces arginine 253 with glycine.
Molecular consequence: missense variant. On other transcripts: non-coding transcript variant (1).
Genome position (GRCh38, 1-based): chr19:5,711,884, T>C on the plus strand (A>G on the coding strand, the complement: LONP1 is on the minus strand). VCF-style: chr19-5711884-T-C. GRCh37 (hg19) VCF-style: chr19-5711895-T-C.
Other names: c.565A>G, p.Arg189Gly (NM_001276479.2); c.169A>G, p.Arg57Gly (NM_001276480.1); short protein forms R189G, R253G, R57G.
Identifiers: ClinVar variation 1946557 (VCV001946557.5), dbSNP rs1482733608, ClinGen allele CA403538898.

ClinVar aggregate classification (germline): Uncertain significance (1 of 4 stars; one submission).

Allele frequency attached by ClinVar (database versions not stated): gnomAD exomes below 0.00001.
gnomAD v4.1: 1 of 1,613,040 alleles (0.000062%); highest among the groups gnomAD compares: South Asian, 0.0011%; no homozygotes.

Submission:

Labcorp Genetics (formerly Invitae), Labcorp
Classification: Uncertain significance. Last evaluated: 2024-05-06. Review status: criteria provided, single submitter. Criteria: Invitae Variant Classification Sherloc (09022015). Collection method: clinical testing. Allele origin: germline.
Comment: This sequence change replaces arginine, which is basic and polar, with glycine, which is neutral and non-polar, at codon 253 of the LONP1 protein (p.Arg253Gly). The frequency data for this variant in the population databases is considered unreliable, as metrics indicate poor data quality at this position in the gnomAD database. This variant has not been reported in the literature in individuals affected with LONP1-related conditions. ClinVar contains an entry for this variant (Variation ID: 1946557). Algorithms developed to predict the effect of missense changes on protein structure and function output the following: SIFT: "Not Available"; PolyPhen-2: "Benign"; Align-GVGD: "Not Available". The glycine amino acid residue is found in multiple mammalian species, which suggests that this missense change does not adversely affect protein function. In summary, the available evidence is currently insufficient to determine the role of this variant in disease. Therefore, it has been classified as a Variant of Uncertain Significance.